The following is an entry in ClinVar:

NM_000053.4(ATP7B):c.3061A>G (p.Ile1021Val)

Gene: ATP7B (ATPase copper transporting beta; minus strand). Cytogenetic location: 13q14.3.
Variant type: single nucleotide variant.
Coding change: c.3061A>G on transcript NM_000053.4 (MANE Select); coding-DNA position 3061, A replaced by G.
Protein change: p.Ile1021Val; replaces isoleucine 1021 with valine.
Molecular consequence: missense variant.
Genome position (GRCh38, 1-based): chr13:51,944,291, T>C on the plus strand (A>G on the coding strand, the complement: ATP7B is on the minus strand). VCF-style: chr13-51944291-T-C. GRCh37 (hg19) VCF-style: chr13-52518427-T-C.
Other names: c.2440A>G, p.Ile814Val (NM_001005918.3); c.2728A>G, p.Ile910Val (NM_001243182.2); c.2827A>G, p.Ile943Val (NM_001330578.2); c.2809A>G, p.Ile937Val (NM_001330579.2); short protein forms I1021V, I943V, I814V, I910V, I937V.
Identifiers: ClinVar variation 430276 (VCV000430276.9), dbSNP rs776490710, ClinGen allele CA6988814.

ClinVar aggregate classification (germline): Uncertain significance. Review status: criteria provided, multiple submitters, no conflicts (2 of 4 stars). 5 submissions from 5 submitters: Uncertain significance (4). 1 of the submissions does not count toward it. Last evaluated 2025-07-22.

Conditions:
Wilson disease (WND). Also called: Wilson's disease. Identifiers: Orphanet 905, MedGen C0019202, MONDO:0010200, OMIM 277900. Disease mechanism: loss of function.

Allele frequency attached by ClinVar (database versions not stated): gnomAD 0.00001; gnomAD exomes 0.00001 and 0.00007; ExAC 0.00002; TOPMed 0.00002.
gnomAD v4.1: 98 of 1,613,712 alleles (0.0061%); highest among the groups gnomAD compares: Non-Finnish European, 0.0081%; no homozygotes.

Submissions (5):

Color Diagnostics, LLC DBA Color Health
Classification: Uncertain significance for Wilson disease. Last evaluated: 2025-07-22. Review status: criteria provided, single submitter. Criteria: ACMG Guidelines, 2015. Collection method: clinical testing. Allele origin: germline.
Comment: This missense variant replaces isoleucine with valine at codon 1021 of the ATP7B protein. Computational prediction is inconclusive regarding the impact of this variant on protein structure and function. To our knowledge, functional studies have not been reported for this variant. This variant has been reported in individuals affected with Wilson disease (PMID: 23518715, 33640437, 34400371, 36096368). Two of these individuals carried the same second pathogenic variant (p.Asn41Ser) in cis and a third known pathogenic variant (p.Met996Thr or p.Arg1319*) in trans (PMID: 33640437, 34400371). This variant has been identified in 2/246446 chromosomes in the general population by the Genome Aggregation Database (gnomAD). The available evidence is insufficient to determine the role of this variant in disease conclusively. Therefore, this variant is classified as a Variant of Uncertain Significance.

Labcorp Genetics (formerly Invitae), Labcorp
Classification: Uncertain significance for Wilson disease. Last evaluated: 2025-04-02. Review status: criteria provided, single submitter. Criteria: Invitae Variant Classification Sherloc (09022015). Collection method: clinical testing. Allele origin: germline.
Comment: This sequence change replaces isoleucine, which is neutral and non-polar, with valine, which is neutral and non-polar, at codon 1021 of the ATP7B protein (p.Ile1021Val). This variant is present in population databases (rs776490710, gnomAD 0.003%). This missense change has been observed in individual(s) with Wilson's disease (PMID: 23518715, 33640437, 34400371, 36096368). ClinVar contains an entry for this variant (Variation ID: 430276). An algorithm developed to predict the effect of missense changes on protein structure and function (PolyPhen-2) suggests that this variant is likely to be disruptive. This variant disrupts the p.Ile1021 amino acid residue in ATP7B. Other variant(s) that disrupt this residue have been determined to be pathogenic (PMID: 21610751). This suggests that this residue is clinically significant, and that variants that disrupt this residue are likely to be disease-causing. In summary, the available evidence is currently insufficient to determine the role of this variant in disease. Therefore, it has been classified as a Variant of Uncertain Significance.

Blueprint Genetics
Classification: Uncertain significance. Last evaluated: 2021-04-09. Review status: criteria provided, single submitter. Criteria: ACMG Guidelines, 2015. Collection method: clinical testing. Allele origin: germline.

GeneDx
Classification: Uncertain significance. Last evaluated: 2017-05-19. Review status: criteria provided, single submitter. Criteria: GeneDx Variant Classification (06012015). Collection method: clinical testing. Allele origin: germline. Affected: yes.
Comment: The c.3061 A>G variant in the ATP7B gene has been reported previously in cis with the N41S variant and in trans with another ATP7B variant in two unrelated individuals with Wilson disease (Brunet et al., 2012; Coffey et al., 2013). The c.3061 A>G variant is not observed at a significant frequency in large population cohorts (Lek et al., 2016; 1000 Genomes Consortium et al., 2015; Exome Variant Server). In-silico splice prediction models predict that c.3061 A>G may create a cryptic splice donor site in exon 8 that could supplant the natural splice donor site. However, in the absence of RNA/functional studies, the actual effect of the c.3061 A>G change in this individual is unknown. If c.3061 A>G does not alter splicing, it will result in the I1021V missense change. The I1021V variant is a conservative amino acid substitution, which is not likely to impact secondary protein structure as these residues share similar properties. This substitution occurs at a position where amino acids with similar properties to Isoleucine are tolerated across species. In silico analysis is inconsistent in its predictions as to whether or not the variant is damaging to the protein structure/function. A missense variant in the same residue, I1021K, was identified in the compound heterozygous state in two unrelated families with Wilson disease (Moller et al., 2011). We interpret c.3061 A>G as a variant of uncertain significance.

Natera, Inc.
Classification: Uncertain significance for Wilson disease. Last evaluated: 2020-09-16. Review status: no assertion criteria provided. Collection method: clinical testing. Allele origin: germline. Not counted in ClinVar's aggregate classification.

Literature cited by the submitters: PubMed 23518715 (cited by Color Diagnostics, LLC DBA Color Health and Labcorp Genetics (formerly Invitae), Labcorp); PubMed 33640437 (cited by Color Diagnostics, LLC DBA Color Health and Labcorp Genetics (formerly Invitae), Labcorp); PubMed 34400371 (cited by Color Diagnostics, LLC DBA Color Health and Labcorp Genetics (formerly Invitae), Labcorp); PubMed 36096368 (cited by Color Diagnostics, LLC DBA Color Health and Labcorp Genetics (formerly Invitae), Labcorp); PubMed 21610751 (cited by Labcorp Genetics (formerly Invitae), Labcorp).